The following is an entry in ClinVar:

ClinVar aggregate classification (germline): Pathogenic. Review status: criteria provided, multiple submitters, no conflicts (2 of 4 stars). 2 submissions from 2 submitters: Pathogenic (2). Last evaluated 2025-11-18.

Conditions:
Hereditary cancer-predisposing syndrome. Also called: Neoplastic Syndromes, Hereditary; Tumor predisposition; Hereditary Cancer Syndrome; Hereditary neoplastic syndrome. Identifiers: Orphanet 140162, MedGen C0027672, MeSH D009386, MONDO:0015356.
Gorlin syndrome. Also called: Nevoid Basal Cell Carcinoma Syndrome; Basal cell nevus syndrome. Identifiers: Orphanet 377, MedGen C0004779, MONDO:0007187.

Submissions (2):

Labcorp Genetics (formerly Invitae), Labcorp
Classification: Pathogenic for Gorlin syndrome. Last evaluated: 2025-11-18. Review status: criteria provided, single submitter. Criteria: Invitae Variant Classification Sherloc (09022015). Collection method: clinical testing. Allele origin: germline.
Comment: This sequence change creates a premature translational stop signal (p.His189Glnfs*58) in the PTCH1 gene. It is expected to result in an absent or disrupted protein product. Loss-of-function variants in PTCH1 are known to be pathogenic (PMID: 16301862, 16419085). This variant is not present in population databases (gnomAD no frequency). This variant has not been reported in the literature in individuals affected with PTCH1-related conditions. ClinVar contains an entry for this variant (Variation ID: 4146889). For these reasons, this variant has been classified as Pathogenic.

Ambry Genetics
Classification: Pathogenic for Hereditary cancer-predisposing syndrome. Last evaluated: 2025-08-22. Review status: criteria provided, single submitter. Criteria: Ambry Variant Classification Scheme 2023. Collection method: clinical testing. Allele origin: germline.
Comment: The c.567_580del14 pathogenic mutation, located in coding exon 3 of the PTCH1 gene, results from a deletion of 14 nucleotides at nucleotide positions 567 to 580, causing a translational frameshift with a predicted alternate stop codon (p.H189Qfs*58). This variant was reported in individual(s) with features consistent with PTCH1-related nevoid basal cell carcinoma syndrome (NBCCS)/Gorlin syndrome (Ambry internal data). This variant is considered to be rare based on population cohorts in the Genome Aggregation Database (gnomAD). This alteration is expected to result in loss of function by premature protein truncation or nonsense-mediated mRNA decay. As such, this alteration is interpreted as a disease-causing mutation.

Literature cited by the submitters: PubMed 16301862 (cited by Labcorp Genetics (formerly Invitae), Labcorp); PubMed 16419085 (cited by Labcorp Genetics (formerly Invitae), Labcorp).

NM_000264.5(PTCH1):c.567_580del (p.His189fs)

Gene: PTCH1 (patched 1; minus strand). Cytogenetic location: 9q22.32.
Variant type: Deletion.
Coding change: c.567_580del on transcript NM_000264.5 (MANE Select); coding-DNA positions 567 to 580, 14 bases deleted (TGTATACATGTACA).
Protein change: p.His189fs; shifts the reading frame from histidine 189.
Molecular consequence: frameshift variant. On other transcripts: non-coding transcript variant (1).
Genome position (GRCh38, 1-based): chr9:95,485,689-95,485,702, TGTACATGTATACA deleted on the plus strand (TGTATACATGTACA on the coding strand, the reverse complement: PTCH1 is on the minus strand); deleting any 14 consecutive bases within chr9:95,485,689-95,485,704 gives the same sequence; the c. name uses the placement nearest the transcript's 3' end. VCF-style (leftmost placement, unchanged base first): chr9-95485688-TTGTACATGTATACA-T. GRCh37 (hg19) VCF-style: chr9-98247970-TTGTACATGTATACA-T.
Other names: c.567_580del14 (NM_000264.3); c.369_382del, p.His123fs (NM_001083602.3, NM_001354919.2); c.564_577del, p.His188fs (NM_001083603.3); c.114_127del, p.His38fs (NM_001083604.3, NM_001083605.3, NM_001083606.3 and 1 more transcripts); c.567_580del, p.His189fs (NM_001354918.2); short protein forms H188fs, H189fs, H38fs, H123fs.
Identifiers: ClinVar variation 4146889 (VCV004146889.2).